The following is an entry in ClinVar:

ClinVar aggregate classification (germline): Uncertain significance (1 of 4 stars; one submission).

Submission:

Labcorp Genetics (formerly Invitae), Labcorp
Classification: Uncertain significance. Last evaluated: 2023-08-04. Review status: criteria provided, single submitter. Criteria: Invitae Variant Classification Sherloc (09022015). Collection method: clinical testing. Allele origin: germline.
Comment: This sequence change replaces glycine, which is neutral and non-polar, with valine, which is neutral and non-polar, at codon 1191 of the NLRP1 protein (p.Gly1191Val). This variant is not present in population databases (gnomAD no frequency). This variant has not been reported in the literature in individuals affected with NLRP1-related conditions. ClinVar contains an entry for this variant (Variation ID: 1715748). An algorithm developed to predict the effect of missense changes on protein structure and function (PolyPhen-2) suggests that this variant is likely to be disruptive. In summary, the available evidence is currently insufficient to determine the role of this variant in disease. Therefore, it has been classified as a Variant of Uncertain Significance.

NM_033004.4(NLRP1):c.3572G>T (p.Gly1191Val)

Gene: NLRP1 (NLR family pyrin domain containing 1; minus strand). Cytogenetic location: 17p13.2.
Variant type: single nucleotide variant.
Coding change: c.3572G>T on transcript NM_033004.4 (MANE Select); coding-DNA position 3572, G replaced by T.
Protein change: p.Gly1191Val; replaces glycine 1191 with valine.
Molecular consequence: missense variant.
Genome position (GRCh38, 1-based): chr17:5,521,735, C>A on the plus strand (G>T on the coding strand, the complement: NLRP1 is on the minus strand). VCF-style: chr17-5521735-C-A. GRCh37 (hg19) VCF-style: chr17-5425055-C-A.
Other names: c.3584G>T, p.Gly1195Val (NM_001033053.3); c.3572G>T, p.Gly1191Val (NM_014922.5); c.3482G>T, p.Gly1161Val (NM_033006.4, NM_033007.4); short protein forms G1161V, G1191V, G1195V.
Identifiers: ClinVar variation 1715748 (VCV001715748.5), dbSNP rs2507733165, ClinGen allele CA397389393.